The following is an entry in ClinVar:

ClinVar aggregate classification (germline): Uncertain significance (1 of 4 stars; one submission).

Conditions:
Cranioectodermal dysplasia 2 (CED2). Identifiers: Orphanet 1515, MedGen C3150874, MONDO:0013323, OMIM 613610.
Short-rib thoracic dysplasia 7 with or without polydactyly (SRTD7). Also called: Short rib polydactyly syndrome 5; SHORT-RIB THORACIC DYSPLASIA 7 WITH POLYDACTYLY. Identifiers: Orphanet 498497, Orphanet 93271, MedGen C3279792, MONDO:0013569, OMIM 614091.

Submission:

Labcorp Genetics (formerly Invitae), Labcorp
Classification: Uncertain significance for Cranioectodermal dysplasia 2; Short-rib thoracic dysplasia 7 with or without polydactyly. Last evaluated: 2018-06-07. Review status: criteria provided, single submitter. Criteria: Invitae Variant Classification Sherloc (09022015). Collection method: clinical testing. Allele origin: germline.
Comment: This sequence change replaces glycine with glutamic acid at codon 1144 of the WDR35 protein (p.Gly1144Glu). The glycine residue is highly conserved and there is a moderate physicochemical difference between glycine and glutamic acid. This variant is not present in population databases (ExAC no frequency). This finding is consistent with autosomal recessive inheritance, and suggests that this variant contributes to disease. Algorithms developed to predict the effect of missense changes on protein structure and function are either unavailable or do not agree on the potential impact of this missense change (SIFT: "Deleterious"; PolyPhen-2: "Probably Damaging"; Align-GVGD: "Class C0"). In summary, the available evidence is currently insufficient to determine the role of this variant in disease. Therefore, it has been classified as a Variant of Uncertain Significance.

NM_020779.4(WDR35):c.3398G>A (p.Gly1133Glu)

Gene: WDR35 (WD repeat domain 35; minus strand). Cytogenetic location: 2p24.1.
Variant type: single nucleotide variant.
Coding change: c.3398G>A on transcript NM_020779.4 (MANE Select); coding-DNA position 3398, G replaced by A.
Protein change: p.Gly1133Glu; replaces glycine 1133 with glutamic acid.
Molecular consequence: missense variant.
Genome position (GRCh38, 1-based): chr2:19,913,673, C>T on the plus strand (G>A on the coding strand, the complement: WDR35 is on the minus strand). VCF-style: chr2-19913673-C-T. GRCh37 (hg19) VCF-style: chr2-20113434-C-T.
Other names: c.3431G>A, p.Gly1144Glu (NM_001006657.2); short protein forms G1144E, G1133E.
Identifiers: ClinVar variation 568490 (VCV000568490.7), dbSNP rs1558317742, ClinGen allele CA346230743.
Genomic context (GRCh38, chr2:19,913,673, plus strand): 5'-GCAAGGACACCGTGTTTGCATACACTGCACATCCAGAATTGATACTCAGTGATTGGGCTT[C>T]CTGTGGCAACGCATGTTGGCAGTTTCCCTTCTCCACTGTAAAACGGGGAGAAACAATTCA-3'
Protein context (NP_065830.2, residues 1123-1143): EGKLPTCVAT[Gly1133Glu]SPITEYQFWM